The following is an entry in ClinVar:

ClinVar aggregate classification (germline): Uncertain significance (1 of 4 stars; one submission).

Conditions:
GLUT1 deficiency syndrome 1, autosomal recessive. Identifiers: MedGen C3149117.

Submission:

Labcorp Genetics (formerly Invitae), Labcorp
Classification: Uncertain significance for GLUT1 deficiency syndrome 1, autosomal recessive. Last evaluated: 2021-04-06. Review status: criteria provided, single submitter. Criteria: Invitae Variant Classification Sherloc (09022015). Collection method: clinical testing. Allele origin: germline.
Comment: In summary, the available evidence is currently insufficient to determine the role of this variant in disease. Therefore, it has been classified as a Variant of Uncertain Significance. Advanced modeling of protein sequence and biophysical properties (such as structural, functional, and spatial information, amino acid conservation, physicochemical variation, residue mobility, and thermodynamic stability) performed at Invitae indicates that this missense variant is expected to disrupt SLC2A1 protein function. This variant has not been reported in the literature in individuals with SLC2A1-related conditions. This variant is not present in population databases (ExAC no frequency). This sequence change replaces glycine with serine at codon 430 of the SLC2A1 protein (p.Gly430Ser). The glycine residue is moderately conserved and there is a small physicochemical difference between glycine and serine.

NM_006516.4(SLC2A1):c.1288G>A (p.Gly430Ser)

Gene: SLC2A1 (solute carrier family 2 member 1; minus strand). Cytogenetic location: 1p34.2.
Variant type: single nucleotide variant.
Coding change: c.1288G>A on transcript NM_006516.4 (MANE Select); coding-DNA position 1288, G replaced by A.
Protein change: p.Gly430Ser; replaces glycine 430 with serine.
Molecular consequence: missense variant.
Genome position (GRCh38, 1-based): chr1:42,927,232, C>T on the plus strand (G>A on the coding strand, the complement: SLC2A1 is on the minus strand). VCF-style: chr1-42927232-C-T. GRCh37 (hg19) VCF-style: chr1-43392903-C-T.
Other names: short protein forms G430S.
Identifiers: ClinVar variation 1482963 (VCV001482963.8), dbSNP rs1643436707, ClinGen allele CA339953555.